The following is an entry in ClinVar:

ClinVar aggregate classification (germline): Uncertain significance (1 of 4 stars; one submission).

Allele frequency attached by ClinVar (database versions not stated): ExAC 0.00001; gnomAD 0.00001; TOPMed 0.00001.

Submission:

Labcorp Genetics (formerly Invitae), Labcorp
Classification: Uncertain significance. Last evaluated: 2024-12-23. Review status: criteria provided, single submitter. Criteria: Invitae Variant Classification Sherloc (09022015). Collection method: clinical testing. Allele origin: germline.
Comment: This sequence change replaces glycine, which is neutral and non-polar, with glutamic acid, which is acidic and polar, at codon 578 of the C3 protein (p.Gly578Glu). This variant is present in population databases (rs758218901, gnomAD 0.0009%). This variant has not been reported in the literature in individuals affected with C3-related conditions. ClinVar contains an entry for this variant (Variation ID: 2973012). Invitae Evidence Modeling of protein sequence and biophysical properties (such as structural, functional, and spatial information, amino acid conservation, physicochemical variation, residue mobility, and thermodynamic stability) indicates that this missense variant is expected to disrupt C3 protein function with a positive predictive value of 80%. In summary, the available evidence is currently insufficient to determine the role of this variant in disease. Therefore, it has been classified as a Variant of Uncertain Significance.

NM_000064.4(C3):c.1733G>A (p.Gly578Glu)

Gene: C3 (complement C3; minus strand). Cytogenetic location: 19p13.3.
Variant type: single nucleotide variant.
Coding change: c.1733G>A on transcript NM_000064.4 (MANE Select); coding-DNA position 1733, G replaced by A.
Protein change: p.Gly578Glu; replaces glycine 578 with glutamic acid.
Molecular consequence: missense variant.
Genome position (GRCh38, 1-based): chr19:6,709,796, C>T on the plus strand (G>A on the coding strand, the complement: C3 is on the minus strand). VCF-style: chr19-6709796-C-T. GRCh37 (hg19) VCF-style: chr19-6709807-C-T.
Other names: short protein forms G578E.
Identifiers: ClinVar variation 2973012 (VCV002973012.3), dbSNP rs758218901, ClinGen allele CA9129343.